The following is an entry in ClinVar:

NM_032608.7(MYO18B):c.3320C>T (p.Pro1107Leu)

Gene: MYO18B (myosin XVIIIB; plus strand). Cytogenetic location: 22q12.1.
Variant type: single nucleotide variant.
Coding change: c.3320C>T on transcript NM_032608.7 (MANE Select); coding-DNA position 3320, C replaced by T.
Protein change: p.Pro1107Leu; replaces proline 1107 with leucine.
Molecular consequence: missense variant.
Genome position (GRCh38, 1-based): chr22:25,843,846, C>T. VCF-style: chr22-25843846-C-T. GRCh37 (hg19) VCF-style: chr22-26239813-C-T.
Other names: c.3323C>T, p.Pro1108Leu (NM_001318245.2); short protein forms P1107L, P1108L.
Identifiers: ClinVar variation 2087095 (VCV002087095.4), dbSNP rs781639764, ClinGen allele CA410998027.
Genomic context (GRCh38, chr22:25,843,846, plus strand): 5'-ACCAGTTGGGATGGGACCCTGTGCGGTACGACCTCACGGGCTGGCTCCACAGAGCCAAGC[C>T]CAACCTCTCGGCCCTGGATGCACCCCAGGTCCTGCACCAGTCAAAAAGGTGAGTTGGGTC-3'
Protein context (NP_115997.5, residues 1097-1117): DLTGWLHRAK[Pro1107Leu]NLSALDAPQV

ClinVar aggregate classification (germline): Uncertain significance (1 of 4 stars; one submission).

gnomAD v4.1: 1 of 1,613,534 alleles (0.000062%); highest among the groups gnomAD compares: Non-Finnish European, 0.000085%; no homozygotes.

Submission:

Labcorp Genetics (formerly Invitae), Labcorp
Classification: Uncertain significance. Last evaluated: 2022-07-06. Review status: criteria provided, single submitter. Criteria: Invitae Variant Classification Sherloc (09022015). Collection method: clinical testing. Allele origin: germline.
Comment: Algorithms developed to predict the effect of missense changes on protein structure and function are either unavailable or do not agree on the potential impact of this missense change (SIFT: "Not Available"; PolyPhen-2: "Benign"; Align-GVGD: "Not Available"). In summary, the available evidence is currently insufficient to determine the role of this variant in disease. Therefore, it has been classified as a Variant of Uncertain Significance. This variant has not been reported in the literature in individuals affected with MYO18B-related conditions. This sequence change replaces proline, which is neutral and non-polar, with leucine, which is neutral and non-polar, at codon 1107 of the MYO18B protein (p.Pro1107Leu). This variant is not present in population databases (gnomAD no frequency).